The following is an entry in ClinVar:

NM_001083962.2(TCF4):c.779A>G (p.His260Arg)

Gene: TCF4 (transcription factor 4; minus strand). Cytogenetic location: 18q21.2.
Variant type: single nucleotide variant.
Coding change: c.779A>G on transcript NM_001083962.2 (MANE Select); coding-DNA position 779, A replaced by G.
Protein change: p.His260Arg; replaces histidine 260 with arginine.
Molecular consequence: missense variant.
Genome position (GRCh38, 1-based): chr18:55,275,629, T>C on the plus strand (A>G on the coding strand, the complement: TCF4 is on the minus strand). VCF-style: chr18-55275629-T-C. GRCh37 (hg19) VCF-style: chr18-52942860-T-C.
Other names: c.773A>G, p.His258Arg (NM_001243230.2); c.653A>G, p.His218Arg (NM_001243231.2, NM_001348211.2); c.566A>G, p.His189Arg (NM_001243232.1, NM_001306208.1); c.389A>G, p.His130Arg (NM_001243233.2, NM_001330605.3, NM_001348212.2 and 1 more transcripts); c.299A>G, p.His100Arg (NM_001243234.2, NM_001243235.2, NM_001243236.2 and 2 more transcripts); c.707A>G, p.His236Arg (NM_001306207.1, NM_001348217.1, NM_001348218.2 and 9 more transcripts); c.779A>G, p.His260Arg (NM_001330604.3, NM_001369567.1, NM_001369568.1 and 4 more transcripts); c.131A>G, p.His44Arg (NM_001348215.2); and 4 more; short protein forms H100R, H130R, H189R, H218R, H235R, H236R, H258R, H259R.
Identifiers: ClinVar variation 4686151 (VCV004686151.2).

ClinVar aggregate classification (germline): Uncertain significance (1 of 4 stars; one submission).

gnomAD v4.1: 1 of 1,613,758 alleles (0.000062%); highest among the groups gnomAD compares: Non-Finnish European, 0.000085%; no homozygotes.

Submission:

GeneDx
Classification: Uncertain significance. Last evaluated: 2026-04-03. Review status: criteria provided, single submitter. Criteria: GeneDx Variant Classification Process June 2021. Collection method: clinical testing. Allele origin: germline.
Comment: In silico analysis supports that this missense variant has a deleterious effect on protein structure/function; Has not been previously published as pathogenic or benign to our knowledge